The following is an entry in ClinVar:

ClinVar aggregate classification (germline): Uncertain significance (1 of 4 stars; one submission).

Conditions:
Hypertrophic cardiomyopathy 26. Also called: Cardiomyopathy, familial hypertrophic, 26. Identifiers: Orphanet 75249, MedGen C4310749, MONDO:0014883, OMIM 617047.
Myofibrillar myopathy 5. Also called: Filaminopathy (type); FILAMINOPATHY, AUTOSOMAL DOMINANT. Identifiers: Orphanet 171445, MedGen C1836050, MONDO:0012289, OMIM 609524.
Distal myopathy with posterior leg and anterior hand involvement. Also called: WILLIAMS DISTAL MYOPATHY. Identifiers: Orphanet 63273, MedGen C3279722, MONDO:0013550, OMIM 614065.

Submission:

Labcorp Genetics (formerly Invitae), Labcorp
Classification: Uncertain significance for Distal myopathy with posterior leg and anterior hand involvement; Myofibrillar myopathy 5; Hypertrophic cardiomyopathy 26. Last evaluated: 2023-11-01. Review status: criteria provided, single submitter. Criteria: Invitae Variant Classification Sherloc (09022015). Collection method: clinical testing. Allele origin: germline.
Comment: This sequence change replaces tyrosine, which is neutral and polar, with serine, which is neutral and polar, at codon 1036 of the FLNC protein (p.Tyr1036Ser). This variant is not present in population databases (gnomAD no frequency). This variant has not been reported in the literature in individuals affected with FLNC-related conditions. Advanced modeling of protein sequence and biophysical properties (such as structural, functional, and spatial information, amino acid conservation, physicochemical variation, residue mobility, and thermodynamic stability) has been performed at Invitae for this missense variant, however the output from this modeling did not meet the statistical confidence thresholds required to predict the impact of this variant on FLNC protein function. In summary, the available evidence is currently insufficient to determine the role of this variant in disease. Therefore, it has been classified as a Variant of Uncertain Significance.

NM_001458.5(FLNC):c.3107A>C (p.Tyr1036Ser)

Gene: FLNC (filamin C; plus strand). Cytogenetic location: 7q32.1.
Variant type: single nucleotide variant.
Coding change: c.3107A>C on transcript NM_001458.5 (MANE Select); coding-DNA position 3107, A replaced by C.
Protein change: p.Tyr1036Ser; replaces tyrosine 1036 with serine.
Molecular consequence: missense variant.
Genome position (GRCh38, 1-based): chr7:128,844,181, A>C. VCF-style: chr7-128844181-A-C. GRCh37 (hg19) VCF-style: chr7-128484235-A-C.
Other names: c.3107A>C, p.Tyr1036Ser (NM_001127487.2); short protein forms Y1036S.
Identifiers: ClinVar variation 2953445 (VCV002953445.3), dbSNP rs2536635757, ClinGen allele CA369194368.